The following is an entry in ClinVar:

ClinVar aggregate classification (germline): Uncertain significance (1 of 4 stars; one submission).

Allele frequency attached by ClinVar (database versions not stated): gnomAD exomes below 0.00001.
gnomAD v4.1: 1 of 1,613,990 alleles (0.000062%); highest among the groups gnomAD compares: Non-Finnish European, 0.000085%; no homozygotes.

Submission:

Labcorp Genetics (formerly Invitae), Labcorp
Classification: Uncertain significance. Last evaluated: 2022-07-31. Review status: criteria provided, single submitter. Criteria: Invitae Variant Classification Sherloc (09022015). Collection method: clinical testing. Allele origin: germline.
Comment: In summary, the available evidence is currently insufficient to determine the role of this variant in disease. Therefore, it has been classified as a Variant of Uncertain Significance. Algorithms developed to predict the effect of missense changes on protein structure and function output the following: SIFT: "Deleterious"; PolyPhen-2: "Benign"; Align-GVGD: "Class C35". The tyrosine amino acid residue is found in multiple mammalian species, which suggests that this missense change does not adversely affect protein function. ClinVar contains an entry for this variant (Variation ID: 1061585). This variant has not been reported in the literature in individuals affected with VCAN-related conditions. This variant is not present in population databases (gnomAD no frequency). This sequence change replaces aspartic acid, which is acidic and polar, with tyrosine, which is neutral and polar, at codon 780 of the VCAN protein (p.Asp780Tyr).

NM_004385.5(VCAN):c.2338G>T (p.Asp780Tyr)

Gene: VCAN (versican; plus strand). Cytogenetic location: 5q14.3.
Variant type: single nucleotide variant.
Coding change: c.2338G>T on transcript NM_004385.5 (MANE Select); coding-DNA position 2338, G replaced by T.
Protein change: p.Asp780Tyr; replaces aspartic acid 780 with tyrosine.
Molecular consequence: missense variant. On other transcripts: intron variant (2).
Genome position (GRCh38, 1-based): chr5:83,520,644, G>T. VCF-style: chr5-83520644-G-T. GRCh37 (hg19) VCF-style: chr5-82816463-G-T.
Other names: c.2338G>T, p.Asp780Tyr (NM_001164098.2); c.1042+8248G>T (NM_001164097.2, NM_001126336.3); short protein forms D780Y.
Identifiers: ClinVar variation 1061585 (VCV001061585.9), dbSNP rs2112409699, ClinGen allele CA360303719.